The following is an entry in ClinVar:

NM_003482.4(KMT2D):c.13673A>T (p.Glu4558Val)

Gene: KMT2D (lysine methyltransferase 2D; minus strand). Cytogenetic location: 12q13.12.
Variant type: single nucleotide variant.
Coding change: c.13673A>T on transcript NM_003482.4 (MANE Select); coding-DNA position 13673, A replaced by T.
Protein change: p.Glu4558Val; replaces glutamic acid 4558 with valine.
Molecular consequence: missense variant.
Genome position (GRCh38, 1-based): chr12:49,030,767, T>A on the plus strand (A>T on the coding strand, the complement: KMT2D is on the minus strand). VCF-style: chr12-49030767-T-A. GRCh37 (hg19) VCF-style: chr12-49424550-T-A.
Other names: short protein forms E4558V.
Identifiers: ClinVar variation 2693001 (VCV002693001.3), dbSNP rs2120408057, ClinGen allele CA384702852.

ClinVar aggregate classification (germline): Uncertain significance (1 of 4 stars; one submission).

Conditions:
Kabuki syndrome. Also called: NIIKAWA-KUROKI SYNDROME; Kabuki make-up syndrome. Identifiers: Orphanet 2322, MedGen C0796004, MONDO:0016512.

Submission:

Labcorp Genetics (formerly Invitae), Labcorp
Classification: Uncertain significance for Kabuki syndrome. Last evaluated: 2023-11-03. Review status: criteria provided, single submitter. Criteria: Invitae Variant Classification Sherloc (09022015). Collection method: clinical testing. Allele origin: germline.
Comment: This sequence change replaces glutamic acid, which is acidic and polar, with valine, which is neutral and non-polar, at codon 4558 of the KMT2D protein (p.Glu4558Val). This variant is not present in population databases (gnomAD no frequency). This variant has not been reported in the literature in individuals affected with KMT2D-related conditions. Experimental studies and prediction algorithms are not available or were not evaluated, and the functional significance of this variant is currently unknown. In summary, the available evidence is currently insufficient to determine the role of this variant in disease. Therefore, it has been classified as a Variant of Uncertain Significance.